The following is an entry in ClinVar:

NM_001197104.2(KMT2A):c.10447G>A (p.Val3483Ile)

Gene: KMT2A (lysine methyltransferase 2A; plus strand). Cytogenetic location: 11q23.3.
Variant type: single nucleotide variant.
Coding change: c.10447G>A on transcript NM_001197104.2 (MANE Select); coding-DNA position 10447, G replaced by A.
Protein change: p.Val3483Ile; replaces valine 3483 with isoleucine.
Molecular consequence: missense variant.
Genome position (GRCh38, 1-based): chr11:118,506,339, G>A. VCF-style: chr11-118506339-G-A. GRCh37 (hg19) VCF-style: chr11-118377054-G-A.
Other names: c.10537G>A, p.Val3513Ile (NM_001412597.1); c.10438G>A, p.Val3480Ile (NM_005933.4); short protein forms V3483I, V3513I, V3480I.
Identifiers: ClinVar variation 2853017 (VCV002853017.3), dbSNP rs1950582640, ClinGen allele CA382825831.
Genomic context (GRCh38, chr11:118,506,339, plus strand): 5'-GCCAGCAAAACTGGGATTCATTCTTCCCAGCGTGATCTTGATTCTGCTTCAGGGCCCCAG[G>A]TATCCAACTTTACCCAGACGGTAGACGCTCCTAATAGCATGGGACTGGAGCAGAACAAGG-3'
Protein context (NP_001184033.1, residues 3473-3493): RDLDSASGPQ[Val3483Ile]SNFTQTVDAP

ClinVar aggregate classification (germline): Uncertain significance (1 of 4 stars; one submission).

Submission:

Labcorp Genetics (formerly Invitae), Labcorp
Classification: Uncertain significance. Last evaluated: 2023-04-07. Review status: criteria provided, single submitter. Criteria: Invitae Variant Classification Sherloc (09022015). Collection method: clinical testing. Allele origin: germline.
Comment: Advanced modeling of protein sequence and biophysical properties (such as structural, functional, and spatial information, amino acid conservation, physicochemical variation, residue mobility, and thermodynamic stability) performed at Invitae indicates that this missense variant is not expected to disrupt KMT2A protein function. This sequence change replaces valine, which is neutral and non-polar, with isoleucine, which is neutral and non-polar, at codon 3483 of the KMT2A protein (p.Val3483Ile). This variant is not present in population databases (gnomAD no frequency). This variant has not been reported in the literature in individuals affected with KMT2A-related conditions. In summary, the available evidence is currently insufficient to determine the role of this variant in disease. Therefore, it has been classified as a Variant of Uncertain Significance.